The following is an entry in ClinVar:

ClinVar aggregate classification (germline): Uncertain significance (1 of 4 stars; one submission).

Submission:

Labcorp Genetics (formerly Invitae), Labcorp
Classification: Uncertain significance. Last evaluated: 2022-07-05. Review status: criteria provided, single submitter. Criteria: Invitae Variant Classification Sherloc (09022015). Collection method: clinical testing. Allele origin: germline.
Comment: This sequence change replaces glutamic acid, which is acidic and polar, with aspartic acid, which is acidic and polar, at codon 386 of the OCA2 protein (p.Glu386Asp). This variant is not present in population databases (gnomAD no frequency). This variant has not been reported in the literature in individuals affected with OCA2-related conditions. Algorithms developed to predict the effect of missense changes on protein structure and function are either unavailable or do not agree on the potential impact of this missense change (SIFT: "Deleterious"; PolyPhen-2: "Benign"; Align-GVGD: "Class C0"). In summary, the available evidence is currently insufficient to determine the role of this variant in disease. Therefore, it has been classified as a Variant of Uncertain Significance.

NM_000275.3(OCA2):c.1158G>T (p.Glu386Asp)

Gene: OCA2 (OCA2 melanosomal transmembrane protein; minus strand). Cytogenetic location: 15q13.1.
Variant type: single nucleotide variant.
Coding change: c.1158G>T on transcript NM_000275.3 (MANE Select); coding-DNA position 1158, G replaced by T.
Protein change: p.Glu386Asp; replaces glutamic acid 386 with aspartic acid.
Molecular consequence: missense variant.
Genome position (GRCh38, 1-based): chr15:27,989,625, C>A on the plus strand (G>T on the coding strand, the complement: OCA2 is on the minus strand). VCF-style: chr15-27989625-C-A. GRCh37 (hg19) VCF-style: chr15-28234771-C-A.
Other names: c.1086G>T, p.Glu362Asp (NM_001300984.2); short protein forms E362D, E386D.
Identifiers: ClinVar variation 2109688 (VCV002109688.1), dbSNP rs2548359619, ClinGen allele CA391361903.
Genomic context (GRCh38, chr15:27,989,625, plus strand): 5'-CGTGGAGCCCAGTCCCACGGGGAGAGCTGTAATTACCATGCCAAACAGCAGGGCCAGCGT[C>A]TCAAAATCAATCCACTCCACCACATGGGTCAGGCTGGGTCTCTGCAATCAAAGCACAAAT-3'
Protein context (NP_000266.2, residues 376-396): LTHVVEWIDF[Glu386Asp]TLALLFGMMI